The following is an entry in ClinVar:

NM_001367624.2(ZNF469):c.703T>C (p.Trp235Arg)

Gene: ZNF469 (zinc finger protein 469; plus strand). Cytogenetic location: 16q24.2.
Variant type: single nucleotide variant.
Coding change: c.703T>C on transcript NM_001367624.2 (MANE Select); coding-DNA position 703, T replaced by C.
Protein change: p.Trp235Arg; replaces tryptophan 235 with arginine.
Molecular consequence: missense variant.
Genome position (GRCh38, 1-based): chr16:88,428,173, T>C. VCF-style: chr16-88428173-T-C. GRCh37 (hg19) VCF-style: chr16-88494581-T-C.
Other names: NM_001127464.1:c.703T>C; NM_001127464.2:c.703T>C; short protein forms W235R.
Identifiers: ClinVar variation 1657998 (VCV001657998.12), dbSNP rs557160829, ClinGen allele CA8224613.

ClinVar aggregate classification (germline): Conflicting classifications of pathogenicity. Review status: criteria provided, conflicting classifications (1 of 4 stars). 4 submissions from 4 submitters: Uncertain significance (1); Likely benign (3). Last evaluated 2026-06-23.

Conditions:
Cardiovascular phenotype. Identifiers: MedGen CN230736.
ZNF469-related disorder. Also called: ZNF469-related condition.

Allele frequency attached by ClinVar (database versions not stated): gnomAD exomes 0.00033 and 0.00010; ExAC 0.00130; 1000 Genomes Project 0.00040; 1000 Genomes Project 30x 0.00047; TOPMed 0.00002; gnomAD 0.00006.

Submissions (4):

PreventionGenetics, part of Exact Sciences
Classification: Likely benign for ZNF469-related condition. Last evaluated: 2026-06-23. Review status: criteria provided, single submitter. Criteria: ACMG Guidelines, 2015. Collection method: clinical testing. Allele origin: germline.
Comment: This variant is classified as likely benign based on ACMG/AMP sequence variant interpretation guidelines (Richards et al. 2015 PMID: 25741868, with internal and published modifications).

GeneDx
Classification: Uncertain significance. Last evaluated: 2026-03-25. Review status: criteria provided, single submitter. Criteria: GeneDx Variant Classification Process June 2021. Collection method: clinical testing. Allele origin: germline.
Comment: In silico analysis supports that this missense variant has a deleterious effect on protein structure/function; Has not been previously published as pathogenic or benign to our knowledge

Labcorp Genetics (formerly Invitae), Labcorp
Classification: Likely benign. Last evaluated: 2026-01-17. Review status: criteria provided, single submitter. Criteria: Invitae Variant Classification Sherloc (09022015). Collection method: clinical testing. Allele origin: germline.

Ambry Genetics
Classification: Likely benign for Cardiovascular phenotype. Last evaluated: 2023-03-21. Review status: criteria provided, single submitter. Criteria: Ambry Variant Classification Scheme 2023. Collection method: clinical testing. Allele origin: germline.